The following is an entry in ClinVar:

ClinVar aggregate classification (germline): Conflicting classifications of pathogenicity. Review status: criteria provided, conflicting classifications (1 of 4 stars). 3 submissions from 3 submitters: Uncertain significance (1); Likely benign (2). Last evaluated 2025-09-02.

Conditions:
Cleft lip/palate-ectodermal dysplasia syndrome (CLPED1). Also called: ECTODERMAL DYSPLASIA, CLEFT LIP AND PALATE, MENTAL RETARDATION, AND SYNDACTYLY; ECTODERMAL DYSPLASIA, MARGARITA ISLAND TYPE; ECTODERMAL DYSPLASIA, TYPE 4; ZLOTOGORA-OGUR SYNDROME; Zlotogora syndrome. Identifiers: Orphanet 3253, MedGen C2931488, MONDO:0009151, OMIM 225060.

Allele frequency attached by ClinVar (database versions not stated): TOPMed 0.00017; gnomAD exomes 0.00019 and 0.00022; ESP Exome Variant Server 0.00031.
gnomAD v4.1: 359 of 1,614,058 alleles (0.022%); highest among the groups gnomAD compares: Non-Finnish European, 0.029%; no homozygotes.

Submissions (3):

Labcorp Genetics (formerly Invitae), Labcorp
Classification: Likely benign. Last evaluated: 2025-09-02. Review status: criteria provided, single submitter. Criteria: Invitae Variant Classification Sherloc (09022015). Collection method: clinical testing. Allele origin: germline.

CeGaT Center for Human Genetics Tuebingen
Classification: Likely benign. Last evaluated: 2025-04-01. Review status: criteria provided, single submitter. Criteria: CeGaT Center For Human Genetics Tuebingen Variant Classification Criteria Version 2. Collection method: clinical testing. Allele origin: germline. Affected: yes. Observed: 1 variant allele.
Comment: NECTIN1: BP4, BP7

Illumina Laboratory Services, Illumina
Classification: Uncertain significance for Cleft lip/palate-ectodermal dysplasia syndrome. Last evaluated: 2018-01-12. Review status: criteria provided, single submitter. Criteria: ICSL Variant Classification Criteria 13 December 2019. Collection method: clinical testing. Allele origin: germline.

NM_002855.5(NECTIN1):c.480G>A (p.Lys160=)

Gene: NECTIN1 (nectin cell adhesion molecule 1; minus strand). Cytogenetic location: 11q23.3.
Variant type: single nucleotide variant.
Coding change: c.480G>A on transcript NM_002855.5 (MANE Select); coding-DNA position 480, G replaced by A.
Protein change: p.Lys160=; no amino-acid change (lysine 160 retained).
Molecular consequence: synonymous variant.
Genome position (GRCh38, 1-based): chr11:119,677,808, C>T on the plus strand (G>A on the coding strand, the complement: NECTIN1 is on the minus strand). VCF-style: chr11-119677808-C-T. GRCh37 (hg19) VCF-style: chr11-119548518-C-T.
Other names: c.480G>A, p.Lys160= (NM_203285.2, NM_203286.2).
Identifiers: ClinVar variation 877468 (VCV000877468.16), dbSNP rs145986556, ClinGen allele CA6322070.